The following is an entry in ClinVar:

ClinVar aggregate classification (germline): Uncertain significance (1 of 4 stars; one submission).

Conditions:
Baller-Gerold syndrome (BGS). Also called: CRANIOSYNOSTOSIS WITH RADIAL DEFECTS. Identifiers: Orphanet 1225, MedGen C0265308, MONDO:0009039, OMIM 218600.

Submission:

Labcorp Genetics (formerly Invitae), Labcorp
Classification: Uncertain significance for Baller-Gerold syndrome. Last evaluated: 2025-05-05. Review status: criteria provided, single submitter. Criteria: Invitae Variant Classification Sherloc (09022015). Collection method: clinical testing. Allele origin: germline.
Comment: This sequence change replaces glutamic acid, which is acidic and polar, with glutamine, which is neutral and polar, at codon 661 of the RECQL4 protein (p.Glu661Gln). This variant is not present in population databases (gnomAD no frequency). This variant has not been reported in the literature in individuals affected with RECQL4-related conditions. ClinVar contains an entry for this variant (Variation ID: 1494348). Invitae Evidence Modeling of protein sequence and biophysical properties (such as structural, functional, and spatial information, amino acid conservation, physicochemical variation, residue mobility, and thermodynamic stability) indicates that this missense variant is not expected to disrupt RECQL4 protein function with a negative predictive value of 80%. In summary, the available evidence is currently insufficient to determine the role of this variant in disease. Therefore, it has been classified as a Variant of Uncertain Significance.

NM_004260.4(RECQL4):c.1981G>C (p.Glu661Gln)

Gene: RECQL4 (RecQ like helicase 4; minus strand). Cytogenetic location: 8q24.3.
Variant type: single nucleotide variant.
Coding change: c.1981G>C on transcript NM_004260.4 (MANE Select); coding-DNA position 1981, G replaced by C.
Protein change: p.Glu661Gln; replaces glutamic acid 661 with glutamine.
Molecular consequence: missense variant.
Genome position (GRCh38, 1-based): chr8:144,514,005, C>G on the plus strand (G>C on the coding strand, the complement: RECQL4 is on the minus strand). VCF-style: chr8-144514005-C-G. GRCh37 (hg19) VCF-style: chr8-145739389-C-G.
Other names: short protein forms E661Q.
Identifiers: ClinVar variation 1494348 (VCV001494348.6), dbSNP rs775332504, ClinGen allele CA372680374.